The following is an entry in ClinVar:

NM_018723.4(RBFOX1):c.676+1G>T

Gene: RBFOX1 (RNA binding fox-1 homolog 1; plus strand). Cytogenetic location: 16p13.3.
Variant type: single nucleotide variant.
Coding change: c.676+1G>T on transcript NM_018723.4 (MANE Select); the canonical splice donor site of the intron after coding-DNA position 676, G replaced by T.
Molecular consequence: splice donor variant.
Genome position (GRCh38, 1-based): chr16:7,607,339, G>T. VCF-style: chr16-7607339-G-T. GRCh37 (hg19) VCF-style: chr16-7657341-G-T.
Other names: c.805+1G>T (NM_001411047.1, NM_001308117.1, NM_001415895.1 and 3 more transcripts); c.784+1G>T (NM_001415889.1, NM_001415898.1, NM_001415894.1 and 3 more transcripts); c.691+1G>T (NM_001415910.1, NM_001415912.1); c.583+1G>T (NM_001415916.1); c.676+1G>T (NM_001142334.2, NM_001364800.2, NM_001142333.2); c.751+1G>T (NM_001415890.1, NM_001415901.1, NM_001415899.1 and 3 more transcripts); c.658+1G>T (NM_001415905.1); c.736+1G>T (NM_001415904.1, NM_001415896.1, NM_145893.3 and 4 more transcripts); and 3 more.
Identifiers: ClinVar variation 1515003 (VCV001515003.8), dbSNP rs2141262938, ClinGen allele CA394683281.

ClinVar aggregate classification (germline): Uncertain significance (1 of 4 stars; one submission).

Conditions:
Idiopathic generalized epilepsy. Also called: Generalised epilepsy; EIG. Identifiers: MedGen C0270850, MONDO:0005579, OMIM 600669.

Submission:

Labcorp Genetics (formerly Invitae), Labcorp
Classification: Uncertain significance for Idiopathic generalized epilepsy. Last evaluated: 2021-06-22. Review status: criteria provided, single submitter. Criteria: Invitae Variant Classification Sherloc (09022015). Collection method: clinical testing. Allele origin: germline.
Comment: This sequence change affects a donor splice site in intron 7 of the RBFOX1 gene. It is expected to disrupt RNA splicing. Variants that disrupt the donor or acceptor splice site typically lead to a loss of protein function (PMID: 16199547), however the current clinical and genetic evidence is not sufficient to establish whether loss-of-function variants in RBFOX1 cause disease. This variant is not present in population databases (ExAC no frequency). This variant has not been reported in the literature in individuals with RBFOX1-related conditions. Algorithms developed to predict the effect of sequence changes on RNA splicing suggest that this variant may disrupt the consensus splice site, but this prediction has not been confirmed by published transcriptional studies. In summary, the available evidence is currently insufficient to determine the role of this variant in disease. Therefore, it has been classified as a Variant of Uncertain Significance.

Literature cited by the submitters: PubMed 16199547.